The following is an entry in ClinVar:

NM_000361.3(THBD):c.1700G>A (p.Arg567Gln)

Gene: THBD (thrombomodulin; minus strand). Cytogenetic location: 20p11.21.
Variant type: single nucleotide variant.
Coding change: c.1700G>A on transcript NM_000361.3 (MANE Select); coding-DNA position 1700, G replaced by A.
Protein change: p.Arg567Gln; replaces arginine 567 with glutamine.
Molecular consequence: missense variant.
Genome position (GRCh38, 1-based): chr20:23,047,805, C>T on the plus strand (G>A on the coding strand, the complement: THBD is on the minus strand). VCF-style: chr20-23047805-C-T. GRCh37 (hg19) VCF-style: chr20-23028442-C-T.
Other names: short protein forms R567Q.
Identifiers: ClinVar variation 899344 (VCV000899344.10), dbSNP rs368774068, ClinGen allele CA9787508.
Genomic context (GRCh38, chr20:23,047,805, plus strand): 5'-TGGACGGAGCCAGGCTCCTGGACGGAGGCCGCTCAGAGTCTCTGCGGCGTCCGCTCGGTC[C>T]GCACGTGCTGCAGCACTACCTCCTTGGAAGGGGCCGCGCACTTGTACTCCATCTTGGCCC-3'
Protein context (NP_000352.1, residues 557-575): PSKEVVLQHV[Arg567Gln]TERTPQRL

ClinVar aggregate classification (germline): Uncertain significance. Review status: criteria provided, multiple submitters, no conflicts (2 of 4 stars). 4 submissions from 4 submitters: Uncertain significance (4). Last evaluated 2025-10-20.

Conditions:
Inborn genetic diseases. Identifiers: MedGen C0950123, MeSH D030342.
Atypical hemolytic-uremic syndrome with thrombomodulin anomaly. Also called: HEMOLYTIC UREMIC SYNDROME, ATYPICAL, SUSCEPTIBILITY TO, 6; AHUS, SUSCEPTIBILITY TO, 6. Identifiers: MedGen C2752036, MONDO:0013044, OMIM 612926. Disease mechanism: gain of function.
Thrombomodulin-related bleeding disorder (THPH12). Also called: Thrombophilia due to thrombomodulin defect. Identifiers: Orphanet 436169, MedGen C3280976, MONDO:0013775, OMIM 614486.

Allele frequency attached by ClinVar (database versions not stated): ESP Exome Variant Server 0.00008; TOPMed 0.00008; gnomAD 0.00009 and 0.00010; ExAC 0.00003.
gnomAD v4.1: 25 of 1,595,370 alleles (0.0016%); highest among the groups gnomAD compares: African/African-American, 0.027%; no homozygotes.

Submissions (4):

Labcorp Genetics (formerly Invitae), Labcorp
Classification: Uncertain significance. Last evaluated: 2025-10-20. Review status: criteria provided, single submitter. Criteria: Invitae Variant Classification Sherloc (09022015). Collection method: clinical testing. Allele origin: germline.
Comment: This sequence change replaces arginine, which is basic and polar, with glutamine, which is neutral and polar, at codon 567 of the THBD protein (p.Arg567Gln). The frequency data for this variant in the population databases is considered unreliable, as metrics indicate poor data quality at this position in the gnomAD database. This variant has not been reported in the literature in individuals affected with THBD-related conditions. ClinVar contains an entry for this variant (Variation ID: 899344). An algorithm developed to predict the effect of missense changes on protein structure and function (PolyPhen-2) suggests that this variant is likely to be tolerated. In summary, the available evidence is currently insufficient to determine the role of this variant in disease. Therefore, it has been classified as a Variant of Uncertain Significance.

Fulgent Genetics
Classification: Uncertain significance for Atypical hemolytic-uremic syndrome with thrombomodulin anomaly; Thrombomodulin-related bleeding disorder. Last evaluated: 2022-02-01. Review status: criteria provided, single submitter. Criteria: ACMG Guidelines, 2015. Collection method: clinical testing. Allele origin: unknown.

Ambry Genetics
Classification: Uncertain significance for Inborn genetic diseases. Last evaluated: 2021-10-27. Review status: criteria provided, single submitter. Criteria: Ambry Variant Classification Scheme 2023. Collection method: clinical testing. Allele origin: germline.

Illumina Laboratory Services, Illumina
Classification: Uncertain significance for Atypical hemolytic-uremic syndrome with thrombomodulin anomaly. Last evaluated: 2018-01-12. Review status: criteria provided, single submitter. Criteria: ICSL Variant Classification Criteria 13 December 2019. Collection method: clinical testing. Allele origin: germline.